The following is an entry in ClinVar:

NM_005732.4(RAD50):c.3286_3293dup (p.Asp1099fs)

Gene: RAD50 (RAD50 double strand break repair protein; plus strand). Cytogenetic location: 5q31.1.
Variant type: Duplication.
Coding change: c.3286_3293dup on transcript NM_005732.4 (MANE Select); coding-DNA positions 3286 to 3293, 8 bases duplicated (CAATTTCG; older notation c.3286_3293dupCAATTTCG).
Protein change: p.Asp1099fs; shifts the reading frame from aspartic acid 1099.
Molecular consequence: frameshift variant.
Genome position (GRCh38, 1-based): chr5:132,618,191-132,618,198, CAATTTCG duplicated. VCF-style (leftmost placement, unchanged base first): chr5-132618190-A-ACAATTTCG. GRCh37 (hg19) VCF-style: chr5-131953882-A-ACAATTTCG.
Other names: short protein forms D1099fs.
Identifiers: ClinVar variation 2061708 (VCV002061708.4), dbSNP rs2479388618, ClinGen allele CA2580072786.
Genomic context (GRCh38, chr5:132,618,190, plus strand): 5'-AGGGCGACAGAAAGGTTATGAAGAAGAAATTATTCATTTTAAGAAAGAACTTCGAGAACC[A>ACAATTTCG]CAATTTCGGGATGCTGAGGAAAAGTATAGAGAAATGATGATTGTTATGAGGACAACAGAA-3'

ClinVar aggregate classification (germline): Pathogenic (1 of 4 stars; one submission).

Conditions:
Hereditary cancer-predisposing syndrome. Also called: Tumor predisposition; Hereditary neoplastic syndrome; Neoplastic Syndromes, Hereditary; Hereditary Cancer Syndrome. Identifiers: Orphanet 140162, MedGen C0027672, MeSH D009386, MONDO:0015356.

Submission:

Labcorp Genetics (formerly Invitae), Labcorp
Classification: Pathogenic for Hereditary cancer-predisposing syndrome. Last evaluated: 2021-12-27. Review status: criteria provided, single submitter. Criteria: Invitae Variant Classification Sherloc (09022015). Collection method: clinical testing. Allele origin: germline.
Comment: For these reasons, this variant has been classified as Pathogenic. This variant has not been reported in the literature in individuals affected with RAD50-related conditions. This variant is not present in population databases (gnomAD no frequency). This sequence change creates a premature translational stop signal (p.Asp1099Asnfs*12) in the RAD50 gene. It is expected to result in an absent or disrupted protein product. Loss-of-function variants in RAD50 are known to be pathogenic (PMID: 19409520).

Literature cited by the submitters: PubMed 19409520.